The following is an entry in ClinVar:

NM_001451.3(FOXF1):c.363C>G (p.Tyr121Ter)

Gene: FOXF1 (forkhead box F1; plus strand). Cytogenetic location: 16q24.1.
Variant type: single nucleotide variant.
Coding change: c.363C>G on transcript NM_001451.3 (MANE Select); coding-DNA position 363, C replaced by G.
Protein change: p.Tyr121Ter; replaces tyrosine 121 with a stop codon.
Molecular consequence: nonsense.
Genome position (GRCh38, 1-based): chr16:86,510,932, C>G. VCF-style: chr16-86510932-C-G. GRCh37 (hg19) VCF-style: chr16-86544538-C-G.
Other names: short protein forms Y121*.
Identifiers: ClinVar variation 4540015 (VCV004540015.1).

ClinVar aggregate classification (germline): Pathogenic (1 of 4 stars; one submission).

Submission:

GeneDx
Classification: Pathogenic. Last evaluated: 2025-06-29. Review status: criteria provided, single submitter. Criteria: GeneDx Variant Classification Process June 2021. Collection method: clinical testing. Allele origin: germline. Affected: yes.
Comment: Nonsense variant predicted to result in protein truncation or nonsense mediated decay in a gene for which loss of function is a known mechanism of disease; Not observed at significant frequency in large population cohorts (gnomAD); Has not been previously published as pathogenic or benign to our knowledge